The following is an entry in ClinVar:

NM_001184.4(ATR):c.6579A>T (p.Arg2193Ser)

Gene: ATR (ATR checkpoint kinase; minus strand). Cytogenetic location: 3q23.
Variant type: single nucleotide variant.
Coding change: c.6579A>T on transcript NM_001184.4 (MANE Select); coding-DNA position 6579, A replaced by T.
Protein change: p.Arg2193Ser; replaces arginine 2193 with serine.
Molecular consequence: missense variant.
Genome position (GRCh38, 1-based): chr3:142,468,042, T>A on the plus strand (A>T on the coding strand, the complement: ATR is on the minus strand). VCF-style: chr3-142468042-T-A. GRCh37 (hg19) VCF-style: chr3-142186884-T-A.
Other names: c.6387A>T, p.Arg2129Ser (NM_001354579.2); short protein forms R2129S, R2193S.
Identifiers: ClinVar variation 3221253 (VCV003221253.1), dbSNP rs2473065231, ClinGen allele CA354803760.

ClinVar aggregate classification (germline): Uncertain significance (1 of 4 stars; one submission).

Conditions:
Inborn genetic diseases. Identifiers: MedGen C0950123, MeSH D030342.

Submission:

Ambry Genetics
Classification: Uncertain significance for Inborn genetic diseases. Last evaluated: 2023-01-18. Review status: criteria provided, single submitter. Criteria: Ambry Variant Classification Scheme 2023. Collection method: clinical testing. Allele origin: germline.
Comment: The p.R2193S variant (also known as c.6579A>T), located in coding exon 39 of the ATR gene, results from an A to T substitution at nucleotide position 6579. The arginine at codon 2193 is replaced by serine, an amino acid with dissimilar properties. This amino acid position is conserved. In addition, the in silico prediction for this alteration is inconclusive. Since supporting evidence is limited at this time, the clinical significance of this alteration remains unclear.